The following is an entry in ClinVar:

NM_002547.3(OPHN1):c.133G>A (p.Ala45Thr)

Gene: OPHN1 (oligophrenin 1; minus strand). Cytogenetic location: Xq12.
Variant type: single nucleotide variant.
Coding change: c.133G>A on transcript NM_002547.3 (MANE Select); coding-DNA position 133, G replaced by A.
Protein change: p.Ala45Thr; replaces alanine 45 with threonine.
Molecular consequence: missense variant.
Genome position (GRCh38, 1-based): chrX:68,432,888, C>T on the plus strand (G>A on the coding strand, the complement: OPHN1 is on the minus strand). VCF-style: chrX-68432888-C-T. GRCh37 (hg19) VCF-style: chrX-67652730-C-T.
Other names: short protein forms A45T.
Identifiers: ClinVar variation 94073 (VCV000094073.31), dbSNP rs148262378, ClinGen allele CA172905.
Genomic context (GRCh38, chrX:68,432,888, plus strand): 5'-CCAGCTCAGAGAAACAGCTCATCGAAGCCTTGCACTTACTTCTCATAGCGCTGATAAGCG[C>T]GTTGCCGTCTTTGATTACGTCTTTGATGAATTTGTTGGTCCTCTCCAGTTCCTGCTCATA-3'
Protein context (NP_002538.1, residues 35-55): FIKDVIKDGN[Ala45Thr]LISAMRNYSS

ClinVar aggregate classification (germline): Benign/Likely benign. Review status: criteria provided, multiple submitters, no conflicts (2 of 4 stars). 11 submissions from 11 submitters: Benign (5); Likely benign (4). 2 of the submissions do not count toward it. Last evaluated 2026-01-28.

Conditions:
Inborn genetic diseases. Identifiers: MedGen C0950123, MeSH D030342.
Intellectual developmental disorder, X-linked, syndromic, Billuart type. Also called: MENTAL RETARDATION, X-LINKED 60; X-linked intellectual disability-cerebellar hypoplasia syndrome. Identifiers: Orphanet 137831, MedGen C1845366, MONDO:0010337, OMIM 300486.

Allele frequency attached by ClinVar (database versions not stated): gnomAD exomes 0.00091 and 0.00158; gnomAD 0.00135 and 0.00112; TOPMed 0.00143; ESP Exome Variant Server 0.00114; 1000 Genomes Project 0.00026; 1000 Genomes Project 30x 0.00021; ExAC 0.00091.
gnomAD v4.1: 1,882 of 1,210,661 alleles (0.16%); highest among the groups gnomAD compares: Non-Finnish European, 0.19%; 4 homozygotes.

Submissions (11):

Labcorp Genetics (formerly Invitae), Labcorp
Classification: Benign. Last evaluated: 2026-01-28. Review status: criteria provided, single submitter. Criteria: Invitae Variant Classification Sherloc (09022015). Collection method: clinical testing. Allele origin: germline.

Blueprint Genetics
Classification: Likely benign. Last evaluated: 2024-11-07. Review status: criteria provided, single submitter. Criteria: ACMG Guidelines, 2015. Collection method: clinical testing. Allele origin: germline.

Athena Diagnostics
Classification: Benign. Last evaluated: 2024-02-16. Review status: criteria provided, single submitter. Criteria: Athena Diagnostics Criteria. Collection method: clinical testing. Allele origin: unknown.

Fulgent Genetics
Classification: Likely benign for Intellectual developmental disorder, X-linked, syndromic, Billuart type. Last evaluated: 2021-10-26. Review status: criteria provided, single submitter. Criteria: ACMG Guidelines, 2015. Collection method: clinical testing. Allele origin: unknown.

GeneDx
Classification: Benign. Last evaluated: 2019-12-09. Review status: criteria provided, single submitter. Criteria: GeneDx Variant Classification Process June 2021. Collection method: clinical testing. Allele origin: germline. Affected: yes.
Comment: This variant is associated with the following publications: (PMID: 16221952, 10818214)

Ambry Genetics
Classification: Benign for Inborn genetic diseases. Last evaluated: 2017-09-25. Review status: criteria provided, single submitter. Criteria: Ambry Variant Classification Scheme 2023. Collection method: clinical testing. Allele origin: germline.

Center for Pediatric Genomic Medicine, Children's Mercy Hospital and Clinics
Classification: Likely benign. Last evaluated: 2015-06-05. Review status: criteria provided, single submitter. Criteria: ACMG Guidelines, 2015. Collection method: clinical testing. Allele origin: germline.
ClinVar note: Converted during submission from Likely Benign to Likely benign.

Eurofins Ntd Llc (ga)
Classification: Likely benign. Last evaluated: 2013-09-26. Review status: criteria provided, single submitter. Criteria: EGL Classification Definitions 2015. Collection method: clinical testing. Allele origin: germline. Observed: 3 variant alleles, 2 heterozygotes, 1 hemizygote.

Genetic Services Laboratory, University of Chicago
Classification: Benign. Last evaluated: 2013-02-08. Review status: criteria provided, single submitter. Criteria: ACMG Guidelines, 2007. Collection method: clinical testing. Allele origin: germline. Inheritance: X-linked inheritance.

Clinical Genetics DNA and cytogenetics Diagnostics Lab, Erasmus MC, Erasmus Medical Center
Classification: Likely benign. Review status: no assertion criteria provided. Collection method: clinical testing. Allele origin: germline. Affected: yes. Study: VKGL Data-share Consensus. Not counted in ClinVar's aggregate classification.

Genome Diagnostics Laboratory, University Medical Center Utrecht
Classification: Likely benign. Review status: no assertion criteria provided. Collection method: clinical testing. Allele origin: germline. Affected: yes. Study: VKGL Data-share Consensus. Not counted in ClinVar's aggregate classification.

Literature cited by the submitters: PubMed 10818214 (cited by Athena Diagnostics and Ambry Genetics); PubMed 16221952 (cited by Athena Diagnostics).